The following is an entry in ClinVar:

ClinVar aggregate classification (germline): Uncertain significance. Review status: criteria provided, single submitter (1 of 4 stars). 2 submissions from 2 submitters: Uncertain significance (1). 1 of the submissions does not count toward it. Last evaluated 2026-01-14.

Conditions:
APC-related disorder. Also called: APC-related condition.
Familial adenomatous polyposis 1 (FAP1). Also called: FAMILIAL ADENOMATOUS POLYPOSIS 1, ATTENUATED; POLYPOSIS, ADENOMATOUS INTESTINAL. Identifiers: MedGen C2713442, MONDO:0021056, OMIM 175100. Disease mechanism: loss of function.

gnomAD v4.1: 38 of 1,370,426 alleles (0.0028%); highest among the groups gnomAD compares: Non-Finnish European, 0.0034%; no homozygotes.

Submissions (2):

Labcorp Genetics (formerly Invitae), Labcorp
Classification: Uncertain significance for Familial adenomatous polyposis 1. Last evaluated: 2026-01-14. Review status: criteria provided, single submitter. Criteria: Invitae Variant Classification Sherloc (09022015). Collection method: clinical testing. Allele origin: germline.
Comment: This variant occurs in a non-coding region of the APC gene. It does not change the encoded amino acid sequence of the APC protein. This variant is present in population databases (no rsID available, gnomAD 0.005%). This variant has not been reported in the literature in individuals affected with APC-related conditions. ClinVar contains an entry for this variant (Variation ID: 469791). Experimental studies and prediction algorithms are not available or were not evaluated, and the functional significance of this variant is currently unknown. In summary, the available evidence is currently insufficient to determine the role of this variant in disease. Therefore, it has been classified as a Variant of Uncertain Significance.

PreventionGenetics, part of Exact Sciences
Classification: Likely benign for APC-related condition. Last evaluated: 2019-09-04. Review status: no assertion criteria provided. Collection method: clinical testing. Allele origin: germline. Not counted in ClinVar's aggregate classification.
Comment: This variant is classified as likely benign based on ACMG/AMP sequence variant interpretation guidelines (Richards et al. 2015 PMID: 25741868, with internal and published modifications).

NM_001127511.3(APC):c.114G>A (p.Thr38=)

Gene: APC (APC regulator of Wnt signaling pathway; plus strand). Cytogenetic location: 5q22.2.
Variant type: single nucleotide variant.
Coding change: c.114G>A on transcript NM_001127511.3; coding-DNA position 114, G replaced by A.
Protein change: p.Thr38=; no amino-acid change (threonine 38 retained).
Molecular consequence: synonymous variant. On other transcripts: 5 prime UTR variant (8), non-coding transcript variant (1), intron variant (5).
Genome position (GRCh38, 1-based): chr5:112,707,831, G>A. VCF-style: chr5-112707831-G-A. GRCh37 (hg19) VCF-style: chr5-112043528-G-A.
Other names: c.-70G>A (NM_001354895.2, NM_001407447.1, NM_001407452.1 and 3 more transcripts); c.114G>A, p.Thr38= (NM_001354897.2, NM_001354902.2, NM_001407446.1); c.-1105G>A (NM_001407470.1, NM_001407472.1); c.-19+182G>A (NM_001407448.1, NM_001407450.1, NM_001407457.1 and 1 more transcripts); c.-43+182G>A (NM_001407453.1).
Identifiers: ClinVar variation 469791 (VCV000469791.12), dbSNP rs761467156, ClinGen allele CA561890299.